The following is an entry in ClinVar:

ClinVar aggregate classification (germline): Uncertain significance. Review status: criteria provided, multiple submitters, no conflicts (2 of 4 stars). 4 submissions from 4 submitters: Uncertain significance (4). Last evaluated 2024-08-05.

Conditions:
Cardiovascular phenotype. Identifiers: MedGen CN230736.
Catecholaminergic polymorphic ventricular tachycardia (CVPT). Also called: Catecholamine-induced polymorphic ventricular tachycardia. Identifiers: Orphanet 3286, MedGen C5574922, MONDO:0017990.
Cardiomyopathy (CMYO). Also called: Cardiomyopathies. Identifiers: Orphanet 167848, MedGen C0878544, MONDO:0004994, HP:0001638. Inheritance: Various modes of inheritance.
Catecholaminergic polymorphic ventricular tachycardia 1. Also called: VENTRICULAR TACHYCARDIA, CATECHOLAMINERGIC POLYMORPHIC, 1, WITH OR WITHOUT ATRIAL DYSFUNCTION AND/OR DILATED CARDIOMYOPATHY; RYR2-Related Catecholaminergic Polymorphic Ventricular Tachycardia; VENTRICULAR TACHYCARDIA, STRESS-INDUCED POLYMORPHIC 1. Identifiers: Orphanet 3286, MedGen C1631597, MONDO:0011484, OMIM 604772.

Allele frequency attached by ClinVar (database versions not stated): gnomAD exomes below 0.00001; gnomAD 0.00001; TOPMed 0.00003.
gnomAD v4.1: 9 of 1,613,828 alleles (0.00056%); highest among the groups gnomAD compares: Non-Finnish European, 0.00076%; no homozygotes.

Submissions (4):

All of Us Research Program, National Institutes of Health
Classification: Uncertain significance for Catecholaminergic polymorphic ventricular tachycardia. Last evaluated: 2024-08-05. Review status: criteria provided, single submitter. Criteria: ACMG Guidelines, 2015. Collection method: clinical testing. Allele origin: germline. Inheritance: Autosomal dominant inheritance. Observed: 6 variant alleles, 6 heterozygotes.
Comment: This missense variant replaces proline with leucine at codon 990 of the RYR2 protein. Computational prediction suggests that this variant may not impact protein structure and function (internally defined REVEL score threshold <= 0.5, PMID: 27666373). Splice site prediction tools suggest that this variant may not impact RNA splicing. To our knowledge, functional studies have not been performed for this variant. This variant has not been reported in individuals affected with cardiovascular disorders in the literature. This variant has been identified in 1/249166 chromosomes in the general population by the Genome Aggregation Database (gnomAD). The available evidence is insufficient to determine the role of this variant in disease conclusively. Therefore, this variant is classified as a Variant of Uncertain Significance.

This study involves interpretation of variants in research participants for the purpose of population health screening. Participant phenotype was not available at the time of variant classification. Additional details can be found in publication PMID: 35346344, PMCID: PMC8962531

Labcorp Genetics (formerly Invitae), Labcorp
Classification: Uncertain significance for Catecholaminergic polymorphic ventricular tachycardia 1. Last evaluated: 2024-07-09. Review status: criteria provided, single submitter. Criteria: Invitae Variant Classification Sherloc (09022015). Collection method: clinical testing. Allele origin: germline.
Comment: This sequence change replaces proline, which is neutral and non-polar, with leucine, which is neutral and non-polar, at codon 990 of the RYR2 protein (p.Pro990Leu). This variant is present in population databases (no rsID available, gnomAD 0.0009%). This variant has not been reported in the literature in individuals affected with RYR2-related conditions. ClinVar contains an entry for this variant (Variation ID: 920701). Advanced modeling of protein sequence and biophysical properties (such as structural, functional, and spatial information, amino acid conservation, physicochemical variation, residue mobility, and thermodynamic stability) performed at Invitae indicates that this missense variant is not expected to disrupt RYR2 protein function with a negative predictive value of 95%. In summary, the available evidence is currently insufficient to determine the role of this variant in disease. Therefore, it has been classified as a Variant of Uncertain Significance.

Color Diagnostics, LLC DBA Color Health
Classification: Uncertain significance for Cardiomyopathy. Last evaluated: 2024-03-06. Review status: criteria provided, single submitter. Criteria: ACMG Guidelines, 2015. Collection method: clinical testing. Allele origin: germline.
Comment: This missense variant replaces proline with leucine at codon 990 of the RYR2 protein. Computational prediction suggests that this variant may not impact protein structure and function (internally defined REVEL score threshold <= 0.5, PMID: 27666373). To our knowledge, functional studies have not been reported for this variant. This variant has not been reported in individuals affected with RYR2-related disorders in the literature. This variant has been identified in 1/249166 chromosomes in the general population by the Genome Aggregation Database (gnomAD). The available evidence is insufficient to determine the role of this variant in disease conclusively. Therefore, this variant is classified as a Variant of Uncertain Significance.

Ambry Genetics
Classification: Uncertain significance for Cardiovascular phenotype. Last evaluated: 2023-11-16. Review status: criteria provided, single submitter. Criteria: Ambry Variant Classification Scheme 2023. Collection method: clinical testing. Allele origin: germline.
Comment: The p.P990L variant (also known as c.2969C>T), located in coding exon 26 of the RYR2 gene, results from a C to T substitution at nucleotide position 2969. The proline at codon 990 is replaced by leucine, an amino acid with similar properties. This amino acid position is not well conserved in available vertebrate species. In addition, the in silico prediction for this alteration is inconclusive. Since supporting evidence is limited at this time, the clinical significance of this alteration remains unclear.

NM_001035.3(RYR2):c.2969C>T (p.Pro990Leu)

Gene: RYR2 (ryanodine receptor 2; plus strand). Cytogenetic location: 1q43.
Variant type: single nucleotide variant.
Coding change: c.2969C>T on transcript NM_001035.3 (MANE Select); coding-DNA position 2969, C replaced by T.
Protein change: p.Pro990Leu; replaces proline 990 with leucine.
Molecular consequence: missense variant.
Genome position (GRCh38, 1-based): chr1:237,548,493, C>T. VCF-style: chr1-237548493-C-T. GRCh37 (hg19) VCF-style: chr1-237711793-C-T.
Other names: c.2969C>T (NM_001035.2); short protein forms P990L.
Identifiers: ClinVar variation 920701 (VCV000920701.10), dbSNP rs912594681, ClinGen allele CA39810890.